The following is an entry in ClinVar:

ClinVar aggregate classification (germline): Benign/Likely benign. Review status: criteria provided, multiple submitters, no conflicts (2 of 4 stars). 3 submissions from 3 submitters: Benign (1); Likely benign (2). Last evaluated 2024-11-11.

Conditions:
Hereditary cancer-predisposing syndrome. Also called: Tumor predisposition; Hereditary Cancer Syndrome; Neoplastic Syndromes, Hereditary; Hereditary neoplastic syndrome. Identifiers: Orphanet 140162, MedGen C0027672, MeSH D009386, MONDO:0015356.
Renal cell carcinoma. Identifiers: Orphanet 217071, MedGen C0007134, MeSH D002292, MONDO:0005086, HP:0005584.
Papillary renal cell carcinoma type 1 (RCCP1). Also called: RENAL CELL CARCINOMA, PAPILLARY, 1, SOMATIC; Renal adenocarcinoma; Renal cell carcinoma 1; Renal cell carcinoma, somatic. Identifiers: Orphanet 47044, MedGen C1336839, OMIM 605074, HP:0011797.

Submissions (3):

Myriad Genetics, Inc.
Classification: Benign for Papillary renal cell carcinoma type 1. Last evaluated: 2024-11-11. Review status: criteria provided, single submitter. Criteria: Myriad Autosomal Dominant, Autosomal Recessive and X-Linked Classification Criteria (2023). Collection method: clinical testing. Allele origin: unknown.
Comment: This variant is considered benign. This variant is a silent/synonymous amino acid change and it is not expected to impact splicing.

Labcorp Genetics (formerly Invitae), Labcorp
Classification: Likely benign for Renal cell carcinoma. Last evaluated: 2024-04-27. Review status: criteria provided, single submitter. Criteria: Invitae Variant Classification Sherloc (09022015). Collection method: clinical testing. Allele origin: germline.

Ambry Genetics
Classification: Likely benign for Hereditary cancer-predisposing syndrome. Last evaluated: 2022-08-09. Review status: criteria provided, single submitter. Criteria: Ambry Variant Classification Scheme 2023. Collection method: clinical testing. Allele origin: germline.

NM_000245.4(MET):c.2559C>T (p.Gly853=)

Gene: MET (MET proto-oncogene, receptor tyrosine kinase; plus strand). Cytogenetic location: 7q31.2.
Variant type: single nucleotide variant.
Coding change: c.2559C>T on transcript NM_000245.4 (MANE Select); coding-DNA position 2559, C replaced by T.
Protein change: p.Gly853=; no amino-acid change (glycine 853 retained).
Molecular consequence: synonymous variant.
Genome position (GRCh38, 1-based): chr7:116,763,244, C>T. VCF-style: chr7-116763244-C-T. GRCh37 (hg19) VCF-style: chr7-116403298-C-T.
Other names: c.2613C>T, p.Gly871= (NM_001127500.3); c.2559C>T, p.Gly853= (NM_001324401.3); c.1269C>T, p.Gly423= (NM_001324402.2).
Identifiers: ClinVar variation 1793826 (VCV001793826.8), dbSNP rs2116957166, ClinGen allele CA457441579.